The following is an entry in ClinVar:

ClinVar aggregate classification (germline): Uncertain significance (1 of 4 stars; one submission).

Submission:

Labcorp Genetics (formerly Invitae), Labcorp
Classification: Uncertain significance. Last evaluated: 2024-12-05. Review status: criteria provided, single submitter. Criteria: Invitae Variant Classification Sherloc (09022015). Collection method: clinical testing. Allele origin: germline.
Comment: This sequence change falls in intron 6 of the NLGN2 gene. It does not directly change the encoded amino acid sequence of the NLGN2 protein. This variant is not present in population databases (gnomAD no frequency). This variant has not been reported in the literature in individuals affected with NLGN2-related conditions. Experimental studies and prediction algorithms are not available or were not evaluated, and the functional significance of this variant is currently unknown. In summary, the available evidence is currently insufficient to determine the role of this variant in disease. Therefore, it has been classified as a Variant of Uncertain Significance.

NM_020795.4(NLGN2):c.1634+13GGGGCTGGGC[4]

Gene: NLGN2 (neuroligin 2; plus strand). Cytogenetic location: 17p13.1.
Variant type: Microsatellite.
Coding change: c.1634+13GGGGCTGGGC[4] on transcript NM_020795.4 (MANE Select); four copies in a row of the 10-base unit GGGGCTGGGC starting at c.1634+13.
Molecular consequence: intron variant.
Genome position: GRCh38 VCF-style: chr17-7416119-A-AGGGGCTGGGCGGGGCTGGGC. GRCh37 (hg19) VCF-style: chr17-7319438-A-AGGGGCTGGGCGGGGCTGGGC.
Identifiers: ClinVar variation 3696179 (VCV003696179.2).